The following is an entry in ClinVar:

NM_015015.3(KDM4B):c.2209G>A (p.Gly737Ser)

Gene: KDM4B (lysine demethylase 4B; plus strand). Cytogenetic location: 19p13.3.
Variant type: single nucleotide variant.
Coding change: c.2209G>A on transcript NM_015015.3 (MANE Select); coding-DNA position 2209, G replaced by A.
Protein change: p.Gly737Ser; replaces glycine 737 with serine.
Molecular consequence: missense variant.
Genome position (GRCh38, 1-based): chr19:5,135,462, G>A. VCF-style: chr19-5135462-G-A. GRCh37 (hg19) VCF-style: chr19-5135473-G-A.
Other names: c.2311G>A, p.Gly771Ser (NM_001411148.1); short protein forms G737S, G771S.
Identifiers: ClinVar variation 4858769 (VCV004858769.1).

ClinVar aggregate classification (germline): Uncertain significance (1 of 4 stars; one submission).

Conditions:
Inborn genetic diseases. Identifiers: MedGen C0950123, MeSH D030342.

gnomAD v4.1: 13 of 1,613,332 alleles (0.00081%); highest among the groups gnomAD compares: African/African-American, 0.0027%; 1 homozygote.

Submission:

Ambry Genetics
Classification: Uncertain significance for Inborn genetic diseases. Last evaluated: 2026-05-10. Review status: criteria provided, single submitter. Criteria: Ambry Variant Classification Scheme 2023. Collection method: clinical testing. Allele origin: germline.
Comment: The c.2209G>A (p.G737S) alteration is located in exon 15 (coding exon 13) of the KDM4B gene. This alteration results from a G to A substitution at nucleotide position 2209, causing the glycine (G) at amino acid position 737 to be replaced by a serine (S). Based on data from gnomAD, the A allele has an overall frequency of <0.001% (1/250424) total alleles studied. The highest observed frequency was 0.003% (1/30600) of South Asian alleles. Based on insufficient or conflicting evidence, the clinical significance of this alteration remains unclear.